The following is an entry in ClinVar:

ClinVar aggregate classification (germline): Pathogenic/Likely pathogenic. Review status: criteria provided, multiple submitters, no conflicts (2 of 4 stars). 5 submissions from 5 submitters: Pathogenic (3); Likely pathogenic (1). 1 of the submissions does not count toward it. Last evaluated 2026-01-01.

Conditions:
Familial encephalopathy with neuroserpin inclusion bodies. Also called: ENCEPHALOPATHY, FAMILIAL, WITH COLLINS BODIES. Identifiers: Orphanet 85110, MedGen C1858680, MONDO:0011412, OMIM 604218.
Abnormality of the nervous system. Also called: Congenital nervous system disorder. Identifiers: MedGen C0497552, MONDO:0002320, HP:0000707.

Submissions (5):

CeGaT Center for Human Genetics Tuebingen
Classification: Pathogenic. Last evaluated: 2026-01-01. Review status: criteria provided, single submitter. Criteria: CeGaT Center For Human Genetics Tuebingen Variant Classification Criteria Version 2. Collection method: clinical testing. Allele origin: germline. Affected: yes. Observed: 1 variant allele.
Comment: SERPINI1: PM2, PM5, PM6, PS4:Moderate, PP3, PS3:Supporting

Labcorp Genetics (formerly Invitae), Labcorp
Classification: Pathogenic for Familial encephalopathy with neuroserpin inclusion bodies. Last evaluated: 2022-11-24. Review status: criteria provided, single submitter. Criteria: Invitae Variant Classification Sherloc (09022015). Collection method: clinical testing. Allele origin: germline.
Comment: Advanced modeling of protein sequence and biophysical properties (such as structural, functional, and spatial information, amino acid conservation, physicochemical variation, residue mobility, and thermodynamic stability) performed at Invitae indicates that this missense variant is expected to disrupt SERPINI1 protein function. Experimental studies have shown that this missense change affects SERPINI1 function (PMID: 18940798, 19549782, 23814041, 26367528, 28363799). This variant disrupts the p.Gly392 amino acid residue in SERPINI1. Other variant(s) that disrupt this residue have been determined to be pathogenic (PMID: 18591508, 28631894). This suggests that this residue is clinically significant, and that variants that disrupt this residue are likely to be disease-causing. For these reasons, this variant has been classified as Pathogenic. ClinVar contains an entry for this variant (Variation ID: 7089). This sequence change replaces glycine, which is neutral and non-polar, with glutamic acid, which is acidic and polar, at codon 392 of the SERPINI1 protein (p.Gly392Glu). This variant is not present in population databases (gnomAD no frequency). This missense change has been observed in individual(s) with SERPINI1-related conditions (PMID: 12103288, 25401298, 28631894).

Kariminejad - Najmabadi Pathology & Genetics Center
Classification: Likely pathogenic for Abnormality of the nervous system. Last evaluated: 2021-07-10. Review status: criteria provided, single submitter. Criteria: ACMG Guidelines, 2015. Collection method: clinical testing. Allele origin: germline. Affected: yes.

Center of Genomic medicine, Geneva, University Hospital of Geneva
Classification: Pathogenic for Familial encephalopathy with neuroserpin inclusion bodies. Last evaluated: 2016-05-25. Review status: criteria provided, single submitter. Criteria: ACMG Guidelines, 2015. Collection method: clinical testing. Allele origin: de novo. Affected: yes.

OMIM
Classification: Pathogenic for ENCEPHALOPATHY, FAMILIAL, WITH NEUROSERPIN INCLUSION BODIES. Last evaluated: 2002-06-29. Review status: no assertion criteria provided. Collection method: literature only. Allele origin: germline. Not counted in ClinVar's aggregate classification.

Literature cited by the submitters: PubMed 18940798 (cited by Labcorp Genetics (formerly Invitae), Labcorp); PubMed 19549782 (cited by Labcorp Genetics (formerly Invitae), Labcorp); PubMed 23814041 (cited by Labcorp Genetics (formerly Invitae), Labcorp); PubMed 26367528 (cited by Labcorp Genetics (formerly Invitae), Labcorp); PubMed 28363799 (cited by Labcorp Genetics (formerly Invitae), Labcorp); PubMed 18591508 (cited by Labcorp Genetics (formerly Invitae), Labcorp); PubMed 28631894 (cited by Labcorp Genetics (formerly Invitae), Labcorp); PubMed 12103288 (cited by Labcorp Genetics (formerly Invitae), Labcorp and OMIM); PubMed 25401298 (cited by Labcorp Genetics (formerly Invitae), Labcorp).

NM_001122752.2(SERPINI1):c.1175G>A (p.Gly392Glu)

Gene: SERPINI1 (serpin family I member 1; plus strand). Cytogenetic location: 3q26.1.
Variant type: single nucleotide variant.
Coding change: c.1175G>A on transcript NM_001122752.2 (MANE Select); coding-DNA position 1175, G replaced by A.
Protein change: p.Gly392Glu; replaces glycine 392 with glutamic acid.
Molecular consequence: missense variant.
Genome position (GRCh38, 1-based): chr3:167,825,265, G>A. VCF-style: chr3-167825265-G-A. GRCh37 (hg19) VCF-style: chr3-167543053-G-A.
Other names: c.1175G>A, p.Gly392Glu (NM_005025.5); short protein forms G392E.
Identifiers: ClinVar variation 7089 (VCV000007089.35), dbSNP rs121909053, ClinGen allele CA118619.
Genomic context (GRCh38, chr3:167,825,265, plus strand): 5'-TTTTGTTCACCCCCTCTTTTGTTTACTTCTGAACCAATACAGGTACAATTCTATTCATGG[G>A]ACGAGTCATGCATCCTGAAACAATGAACACAAGTGGACATGATTTCGAAGAACTTTAAGT-3'
Protein context (NP_001116224.1, residues 382-402): NRRTGTILFM[Gly392Glu]RVMHPETMNT